The following is an entry in ClinVar:

ClinVar aggregate classification (germline): Benign/Likely benign. Review status: criteria provided, multiple submitters, no conflicts (2 of 4 stars). 7 submissions from 6 submitters: Benign (4); Likely benign (3). Last evaluated 2026-01-31.

Conditions:
Ehlers-Danlos syndrome, classic type, 1 (EDSCL1). Also called: EHLERS-DANLOS SYNDROME, GRAVIS TYPE; EHLERS-DANLOS SYNDROME, SEVERE CLASSIC TYPE; Ehlers-Danlos syndrome, type 1; Ehlers-Danlos Syndrome, Classic Type, COL5A1-Related; EDS I. Identifiers: MedGen C0268335, MONDO:0019567, OMIM 130000.
Fibromuscular dysplasia, multifocal. Identifiers: MedGen C5543412, MONDO:0859151, OMIM 619329.

Allele frequency attached by ClinVar (database versions not stated): TOPMed 0.00009; 1000 Genomes Project 30x 0.00062; 1000 Genomes Project 0.00080.
gnomAD v4.1: 1,062 of 1,613,658 alleles (0.066%); highest among the groups gnomAD compares: Non-Finnish European, 0.026%; 5 homozygotes.

Submissions (7):

Labcorp Genetics (formerly Invitae), Labcorp
Classification: Benign for Ehlers-Danlos syndrome, classic type, 1. Last evaluated: 2026-01-31. Review status: criteria provided, single submitter. Criteria: Invitae Variant Classification Sherloc (09022015). Collection method: clinical testing. Allele origin: germline.

Blueprint Genetics
Classification: Likely benign. Last evaluated: 2024-11-21. Review status: criteria provided, single submitter. Criteria: ACMG Guidelines, 2015. Collection method: clinical testing. Allele origin: germline.

Women's Health and Genetics/Laboratory Corporation of America, LabCorp
Classification: Benign. Last evaluated: 2023-10-29. Review status: criteria provided, single submitter. Criteria: LabCorp Variant Classification Summary - May 2015. Collection method: clinical testing. Allele origin: germline.

Genome-Nilou Lab
Classification: Benign for Ehlers-Danlos syndrome, classic type, 1. Last evaluated: 2022-03-15. Review status: criteria provided, single submitter. Criteria: ACMG Guidelines, 2015. Collection method: clinical testing. Allele origin: germline. Affected: no.

Genome-Nilou Lab
Classification: Benign for Fibromuscular dysplasia, multifocal. Last evaluated: 2022-03-15. Review status: criteria provided, single submitter. Criteria: ACMG Guidelines, 2015. Collection method: clinical testing. Allele origin: germline. Affected: no.

Fulgent Genetics
Classification: Likely benign for Ehlers-Danlos syndrome, classic type, 1; Fibromuscular dysplasia, multifocal. Last evaluated: 2022-01-20. Review status: criteria provided, single submitter. Criteria: ACMG Guidelines, 2015. Collection method: clinical testing. Allele origin: unknown.

GeneDx
Classification: Likely benign. Last evaluated: 2018-02-26. Review status: criteria provided, single submitter. Criteria: GeneDx Variant Classification (06012015). Collection method: clinical testing. Allele origin: germline. Affected: yes.
Comment: This variant is considered likely benign or benign based on one or more of the following criteria: it is a conservative change, it occurs at a poorly conserved position in the protein, it is predicted to be benign by multiple in silico algorithms, and/or has population frequency not consistent with disease.

NM_000093.5(COL5A1):c.2800-18C>T

Gene: COL5A1 (collagen type V alpha 1 chain; plus strand). Cytogenetic location: 9q34.3.
Variant type: single nucleotide variant.
Coding change: c.2800-18C>T on transcript NM_000093.5 (MANE Select); 18 bases into the intron before coding-DNA position 2800, C replaced by T.
Molecular consequence: intron variant.
Genome position (GRCh38, 1-based): chr9:134,796,356, C>T. VCF-style: chr9-134796356-C-T. GRCh37 (hg19) VCF-style: chr9-137688202-C-T.
Other names: c.2800-18C>T (NM_001278074.1).
Identifiers: ClinVar variation 377725 (VCV000377725.13), dbSNP rs73664144, ClinGen allele CA5319606.
Genomic context (GRCh38, chr9:134,796,356, plus strand): 5'-GATGACGTTGTGGGCCAGAGTCTTTTCATCCAAATAATAACAATCATAAGCTTTTCCCCC[C>T]TCTCCTTCCCTCTCAAGGGCAACTCCGGAGGTGACGGCCCAGCTGGCCCTCCTGGTGAAC-3'